The following is an entry in ClinVar:

NM_133497.4(KCNV2):c.1162_1164del (p.Leu388del)

Gene: KCNV2 (potassium voltage-gated channel modifier subfamily V member 2; plus strand). Cytogenetic location: 9p24.2.
Variant type: Deletion.
Coding change: c.1162_1164del on transcript NM_133497.4 (MANE Select); coding-DNA positions 1162 to 1164, 3 bases deleted (CTC; older notation c.1162_1164delCTC).
Protein change: p.Leu388del; deletes leucine 388.
Molecular consequence: inframe deletion.
Genome position (GRCh38, 1-based): chr9:2,718,901-2,718,903, CTC deleted; deleting any 3 consecutive bases within chr9:2,718,899-2,718,903 gives the same sequence; the c. name uses the placement nearest the transcript's 3' end. VCF-style (leftmost placement, unchanged base first): chr9-2718898-ATCC-A. GRCh37 (hg19) VCF-style: chr9-2718898-ATCC-A.
Other names: short protein forms L388del.
Identifiers: ClinVar variation 2036540 (VCV002036540.4), dbSNP rs2536973935, ClinGen allele CA2580080207.

ClinVar aggregate classification (germline): Uncertain significance (1 of 4 stars; one submission).

Submission:

Labcorp Genetics (formerly Invitae), Labcorp
Classification: Uncertain significance. Last evaluated: 2022-10-22. Review status: criteria provided, single submitter. Criteria: Invitae Variant Classification Sherloc (09022015). Collection method: clinical testing. Allele origin: germline.
Comment: This variant, c.1162_1164del, results in the deletion of 1 amino acid(s) of the KCNV2 protein (p.Leu388del), but otherwise preserves the integrity of the reading frame. This variant is not present in population databases (gnomAD no frequency). This variant has been observed in individual(s) with clinical features of KCNV2-related conditions (Invitae). In at least one individual the data is consistent with being in trans (on the opposite chromosome) from a pathogenic variant. Experimental studies and prediction algorithms are not available or were not evaluated, and the functional significance of this variant is currently unknown. In summary, the available evidence is currently insufficient to determine the role of this variant in disease. Therefore, it has been classified as a Variant of Uncertain Significance.